The following is an entry in ClinVar:

ClinVar aggregate classification (germline): Benign. Review status: criteria provided, multiple submitters, no conflicts (2 of 4 stars). 2 submissions from 2 submitters: Benign (2). Last evaluated 2018-01-13.

Conditions:
Hirschsprung disease, susceptibility to, 3. Identifiers: Orphanet 388, MedGen C3150974, MONDO:0013383, OMIM 613711.

Allele frequency attached by ClinVar (database versions not stated): gnomAD exomes 0.18868; gnomAD 0.22199 and 0.22202; TOPMed 0.23469; 1000 Genomes Project 0.24760; 1000 Genomes Project 30x 0.25390.
gnomAD v4.1: 33,761 of 152,664 alleles (22%); highest among the groups gnomAD compares: African/African-American, 32%; 4,152 homozygotes.

Submissions (2):

Illumina Laboratory Services, Illumina
Classification: Benign for Hirschsprung disease, susceptibility to, 3. Last evaluated: 2018-01-13. Review status: criteria provided, single submitter. Criteria: ICSL Variant Classification Criteria 13 December 2019. Collection method: clinical testing. Allele origin: germline.
Comment: This variant was observed in the ICSL laboratory as part of a predisposition screen in an ostensibly healthy population. It had not been previously curated by ICSL or reported in the Human Gene Mutation Database (HGMD: prior to June 1st, 2018), and was therefore a candidate for classification through an automated scoring system. Utilizing variant allele frequency, disease prevalence and penetrance estimates, and inheritance mode, an automated score was calculated to assess if this variant is too frequent to cause the disease. Based on the score and internal cut-off values, a variant classified as benign is not then subjected to further curation. The score for this variant resulted in a classification of benign for this disease.

Breakthrough Genomics
Classification: Benign. Review status: criteria provided, single submitter. Criteria: ACMG Guidelines, 2015. Collection method: not provided. Allele origin: germline. Inheritance: Autosomal dominant inheritance. Affected: yes.

NM_000514.4(GDNF):c.*1651A>G

Gene: GDNF (glial cell derived neurotrophic factor; minus strand). Cytogenetic location: 5p13.2.
Variant type: single nucleotide variant.
Coding change: c.*1651A>G on transcript NM_000514.4 (MANE Select); 1651 bases downstream of the stop codon, A replaced by G.
Molecular consequence: 3 prime UTR variant.
Genome position (GRCh38, 1-based): chr5:37,814,000, T>C on the plus strand (A>G on the coding strand, the complement: GDNF is on the minus strand). VCF-style: chr5-37814000-T-C. GRCh37 (hg19) VCF-style: chr5-37814102-T-C.
Other names: c.*1651A>G (NM_001190468.1, NM_001190469.1, NM_001278098.1 and 1 more transcripts).
Identifiers: ClinVar variation 353491 (VCV000353491.6), dbSNP rs11111, ClinGen allele CA10624713.
Genomic context (GRCh38, chr5:37,814,000, plus strand): 5'-CTTCCTCAGCACCCTTCTCAGCCATCTGCTCCCCAGGGAGCTGTCAGGTGTTTGGGTATA[T>C]AGGAGCAGCAGCTGTTGACCCCCGGTGACAGCCCAGGGGTTGTACAGGACCTGGTAGACC-3'